The following is an entry in ClinVar:

NM_194248.3(OTOF):c.5674C>A (p.Leu1892Ile)

Gene: OTOF (otoferlin; minus strand). Cytogenetic location: 2p23.3.
Variant type: single nucleotide variant.
Coding change: c.5674C>A on transcript NM_194248.3 (MANE Select); coding-DNA position 5674, C replaced by A.
Protein change: p.Leu1892Ile; replaces leucine 1892 with isoleucine.
Molecular consequence: missense variant.
Genome position (GRCh38, 1-based): chr2:26,460,890, G>T on the plus strand (C>A on the coding strand, the complement: OTOF is on the minus strand). VCF-style: chr2-26460890-G-T. GRCh37 (hg19) VCF-style: chr2-26683758-G-T.
Other names: c.5674C>A, p.Leu1892Ile (NM_001287489.2); c.3373C>A, p.Leu1125Ile (NM_004802.4, NM_194323.3); c.3604C>A, p.Leu1202Ile (NM_194322.3); short protein forms L1202I, L1125I, L1892I.
Identifiers: ClinVar variation 2107142 (VCV002107142.1), dbSNP rs761420437, ClinGen allele CA1562752.
Genomic context (GRCh38, chr2:26,460,890, plus strand): 5'-CCGAGCAGGAAGGGGTGCGCACCGTGAGCTCAAACTCATCGTTCTCATTGCGGGCCAGGA[G>T]GGGCCACCAGCCTTTGACGCGCTTTTGCTTGAAGATGGACACGAGGGGCACGTCCACCTC-3'
Protein context (NP_919224.1, residues 1882-1902): KQKRVKGWWP[Leu1892Ile]LARNENDEFE

ClinVar aggregate classification (germline): Uncertain significance (1 of 4 stars; one submission).

Allele frequency attached by ClinVar (database versions not stated): ExAC 0.00001; gnomAD exomes 0.00001.
gnomAD v4.1: 3 of 1,614,184 alleles (0.00019%); highest among the groups gnomAD compares: South Asian, 0.0033%; no homozygotes.

Submission:

Labcorp Genetics (formerly Invitae), Labcorp
Classification: Uncertain significance. Last evaluated: 2022-03-05. Review status: criteria provided, single submitter. Criteria: Invitae Variant Classification Sherloc (09022015). Collection method: clinical testing. Allele origin: germline.
Comment: This sequence change replaces leucine, which is neutral and non-polar, with isoleucine, which is neutral and non-polar, at codon 1892 of the OTOF protein (p.Leu1892Ile). This variant is present in population databases (rs761420437, gnomAD 0.003%). This variant has not been reported in the literature in individuals affected with OTOF-related conditions. Algorithms developed to predict the effect of missense changes on protein structure and function (SIFT, PolyPhen-2, Align-GVGD) all suggest that this variant is likely to be tolerated. In summary, the available evidence is currently insufficient to determine the role of this variant in disease. Therefore, it has been classified as a Variant of Uncertain Significance.